The following is an entry in ClinVar:

ClinVar aggregate classification (germline): Likely benign. Review status: criteria provided, multiple submitters, no conflicts (2 of 4 stars). 2 submissions from 2 submitters: Likely benign (2). Last evaluated 2025-09-21.

Allele frequency attached by ClinVar (database versions not stated): gnomAD exomes 0.00001; ExAC 0.00002; TOPMed 0.00003; gnomAD 0.00004.
gnomAD v4.1: 28 of 1,613,658 alleles (0.0017%); highest among the groups gnomAD compares: African/African-American, 0.021%; no homozygotes.

Submissions (2):

Labcorp Genetics (formerly Invitae), Labcorp
Classification: Likely benign. Last evaluated: 2025-09-21. Review status: criteria provided, single submitter. Criteria: Invitae Variant Classification Sherloc (09022015). Collection method: clinical testing. Allele origin: germline.

CeGaT Center for Human Genetics Tuebingen
Classification: Likely benign. Last evaluated: 2025-08-01. Review status: criteria provided, single submitter. Criteria: CeGaT Center For Human Genetics Tuebingen Variant Classification Criteria Version 2. Collection method: clinical testing. Allele origin: germline. Affected: yes. Observed: 1 variant allele.
Comment: VPS13D: BP4, BP7

NM_015378.4(VPS13D):c.5652A>G (p.Leu1884=)

Gene: VPS13D (vacuolar protein sorting 13 homolog D; plus strand). Cytogenetic location: 1p36.22.
Variant type: single nucleotide variant.
Coding change: c.5652A>G on transcript NM_015378.4 (MANE Select); coding-DNA position 5652, A replaced by G.
Protein change: p.Leu1884=; no amino-acid change (leucine 1884 retained).
Molecular consequence: synonymous variant.
Genome position (GRCh38, 1-based): chr1:12,288,240, A>G. VCF-style: chr1-12288240-A-G. GRCh37 (hg19) VCF-style: chr1-12348297-A-G.
Other names: c.5652A>G, p.Leu1884= (NM_018156.4).
Identifiers: ClinVar variation 2055204 (VCV002055204.12), dbSNP rs757284201, ClinGen allele CA602379.